The following is an entry in ClinVar:

NM_032578.4(MYPN):c.1537T>C (p.Phe513Leu)

Gene: MYPN (myopalladin; plus strand). Cytogenetic location: 10q21.3.
Variant type: single nucleotide variant.
Coding change: c.1537T>C on transcript NM_032578.4 (MANE Select); coding-DNA position 1537, T replaced by C.
Protein change: p.Phe513Leu; replaces phenylalanine 513 with leucine.
Molecular consequence: missense variant. On other transcripts: non-coding transcript variant (2).
Genome position (GRCh38, 1-based): chr10:68,165,755, T>C. VCF-style: chr10-68165755-T-C. GRCh37 (hg19) VCF-style: chr10-69925512-T-C.
Other names: c.1537T>C, p.Phe513Leu (NM_001256267.2); c.655T>C, p.Phe219Leu (NM_001256268.2); short protein forms F219L, F513L.
Identifiers: ClinVar variation 1305697 (VCV001305697.2), dbSNP rs2134165671, ClinGen allele CA376838054.

ClinVar aggregate classification (germline): Uncertain significance (1 of 4 stars; one submission).

Submission:

GeneDx
Classification: Uncertain significance. Last evaluated: 2019-05-16. Review status: criteria provided, single submitter. Criteria: GeneDx Variant Classification Process June 2021. Collection method: clinical testing. Allele origin: germline. Affected: yes.
Comment: Not observed in large population cohorts (Lek et al., 2016); In silico analysis, which includes protein predictors and evolutionary conservation, supports a deleterious effect; Has not been previously published as pathogenic or benign to our knowledge